The following is an entry in ClinVar:

NM_022765.4(MICAL1):c.2515G>A (p.Ala839Thr)

Gene: MICAL1 (microtubule associated monooxygenase, calponin and LIM domain containing 1; minus strand). Cytogenetic location: 6q21.
Variant type: single nucleotide variant.
Coding change: c.2515G>A on transcript NM_022765.4 (MANE Select); coding-DNA position 2515, G replaced by A.
Protein change: p.Ala839Thr; replaces alanine 839 with threonine.
Molecular consequence: missense variant.
Genome position (GRCh38, 1-based): chr6:109,446,202, C>T on the plus strand (G>A on the coding strand, the complement: MICAL1 is on the minus strand). VCF-style: chr6-109446202-C-T. GRCh37 (hg19) VCF-style: chr6-109767405-C-T.
Other names: c.2257G>A, p.Ala753Thr (NM_001159291.2); c.2572G>A, p.Ala858Thr (NM_001286613.2); short protein forms A839T, A858T, A753T.
Identifiers: ClinVar variation 1971163 (VCV001971163.5), dbSNP rs372962325, ClinGen allele CA3952871.
Genomic context (GRCh38, chr6:109,446,202, plus strand): 5'-GGCTCTGGACTGGCAGGCCCCAGCCCACAAAGCTGCTCTCCAGGGCGTGGCGGGCCAAGG[C>T]GGAGCAGCTGCGGGGAGGCTTGGGTGGAGGCTCCATTTCCGGGTCAGGGGTAAGGTTAAG-3'
Protein context (NP_073602.3, residues 829-849): PPPKPPRSCS[Ala839Thr]LARHALESSF

ClinVar aggregate classification (germline): Uncertain significance (1 of 4 stars; one submission).

Allele frequency attached by ClinVar (database versions not stated): gnomAD exomes 0.00001; TOPMed 0.00001; ExAC 0.00002; gnomAD 0.00002; ESP Exome Variant Server 0.00008.

Submission:

Labcorp Genetics (formerly Invitae), Labcorp
Classification: Uncertain significance. Last evaluated: 2022-06-28. Review status: criteria provided, single submitter. Criteria: Invitae Variant Classification Sherloc (09022015). Collection method: clinical testing. Allele origin: germline.
Comment: This sequence change replaces alanine, which is neutral and non-polar, with threonine, which is neutral and polar, at codon 858 of the MICAL1 protein (p.Ala858Thr). This variant is present in population databases (rs372962325, gnomAD 0.007%). This variant has not been reported in the literature in individuals affected with MICAL1-related conditions. Algorithms developed to predict the effect of missense changes on protein structure and function output the following: SIFT: "Tolerated"; PolyPhen-2: "Benign"; Align-GVGD: "Class C0". The threonine amino acid residue is found in multiple mammalian species, which suggests that this missense change does not adversely affect protein function. In summary, the available evidence is currently insufficient to determine the role of this variant in disease. Therefore, it has been classified as a Variant of Uncertain Significance.